The following is an entry in ClinVar:

NM_024334.3(TMEM43):c.25A>G (p.Ser9Gly)

Gene: TMEM43 (transmembrane protein 43; plus strand). Cytogenetic location: 3p25.1.
Variant type: single nucleotide variant.
Coding change: c.25A>G on transcript NM_024334.3 (MANE Select); coding-DNA position 25, A replaced by G.
Protein change: p.Ser9Gly; replaces serine 9 with glycine.
Molecular consequence: missense variant.
Genome position (GRCh38, 1-based): chr3:14,129,424, A>G. VCF-style: chr3-14129424-A-G. GRCh37 (hg19) VCF-style: chr3-14170924-A-G.
Other names: short protein forms S9G.
Identifiers: ClinVar variation 928227 (VCV000928227.5), dbSNP rs1054032061, ClinGen allele CA69728522.

ClinVar aggregate classification (germline): Conflicting classifications of pathogenicity. Review status: criteria provided, conflicting classifications (1 of 4 stars). 3 submissions from 3 submitters: Uncertain significance (1); Likely benign (2). Last evaluated 2026-07-07.

Conditions:
Arrhythmogenic right ventricular dysplasia 5. Also called: Arrhythmogenic Right Ventricular Dysplasia/Cardiomyopathy 5; ARRHYTHMOGENIC RIGHT VENTRICULAR DYSPLASIA, FAMILIAL, 5. Identifiers: MedGen C1858379, MONDO:0011459, OMIM 604400.
Cardiomyopathy (CMYO). Also called: Cardiomyopathies. Identifiers: Orphanet 167848, MedGen C0878544, MONDO:0004994, HP:0001638. Inheritance: Various modes of inheritance.
Cardiovascular phenotype. Identifiers: MedGen CN230736.

Allele frequency attached by ClinVar (database versions not stated): gnomAD exomes 0.00001.
gnomAD v4.1: 14 of 1,613,606 alleles (0.00087%); highest among the groups gnomAD compares: Non-Finnish European, 0.00093%; no homozygotes.

Submissions (3):

Ambry Genetics
Classification: Uncertain significance for Cardiovascular phenotype. Last evaluated: 2026-07-07. Review status: criteria provided, single submitter. Criteria: Ambry Variant Classification Scheme 2023. Collection method: clinical testing. Allele origin: germline.
Comment: The p.S9G variant (also known as c.25A>G), located in coding exon 2 of the TMEM43 gene, results from an A to G substitution at nucleotide position 25. The serine at codon 9 is replaced by glycine, an amino acid with similar properties. This amino acid position is conserved. In addition, this alteration is predicted to be tolerated by in silico analysis. Based on the available evidence, the clinical significance of this variant remains unclear.

Color Diagnostics, LLC DBA Color Health
Classification: Likely benign for Cardiomyopathy. Last evaluated: 2024-09-06. Review status: criteria provided, single submitter. Criteria: ACMG Guidelines, 2015. Collection method: clinical testing. Allele origin: germline.

All of Us Research Program, National Institutes of Health
Classification: Likely benign for Arrhythmogenic right ventricular dysplasia 5. Last evaluated: 2023-10-06. Review status: criteria provided, single submitter. Criteria: ACMG Guidelines, 2015. Collection method: clinical testing. Allele origin: germline. Inheritance: Autosomal dominant inheritance. Observed: 1 variant allele, 1 heterozygote.
Comment: This study involves interpretation of variants in research participants for the purpose of population health screening. Participant phenotype was not available at the time of variant classification. Additional details can be found in publication PMID: 35346344, PMCID: PMC8962531